The following is an entry in ClinVar:

ClinVar aggregate classification (germline): Uncertain significance (1 of 4 stars; one submission).

Conditions:
Joubert syndrome 23 (JBTS23). Identifiers: Orphanet 475, MedGen C4084822, MONDO:0014664, OMIM 616490.
Short-rib thoracic dysplasia 14 with polydactyly (SRTD14). Identifiers: Orphanet 397715, MedGen C4225286, MONDO:0014688, OMIM 616546.

Submission:

Labcorp Genetics (formerly Invitae), Labcorp
Classification: Uncertain significance for Joubert syndrome 23; Short-rib thoracic dysplasia 14 with polydactyly. Last evaluated: 2021-06-20. Review status: criteria provided, single submitter. Criteria: Invitae Variant Classification Sherloc (09022015). Collection method: clinical testing. Allele origin: germline.
Comment: In summary, the available evidence is currently insufficient to determine the role of this variant in disease. Therefore, it has been classified as a Variant of Uncertain Significance. Algorithms developed to predict the effect of missense changes on protein structure and function are either unavailable or do not agree on the potential impact of this missense change (SIFT: "Deleterious"; PolyPhen-2: "Benign"; Align-GVGD: "Class C0"). This variant has not been reported in the literature in individuals with KIAA0586-related conditions. This variant is not present in population databases (ExAC no frequency). This sequence change replaces alanine with threonine at codon 894 of the KIAA0586 protein (p.Ala894Thr). The alanine residue is moderately conserved and there is a small physicochemical difference between alanine and threonine.

NM_001329943.3(KIAA0586):c.2521G>A (p.Ala841Thr)

Gene: KIAA0586 (KIAA0586; plus strand). Cytogenetic location: 14q23.1.
Variant type: single nucleotide variant.
Coding change: c.2521G>A on transcript NM_001329943.3 (MANE Select); coding-DNA position 2521, G replaced by A.
Protein change: p.Ala841Thr; replaces alanine 841 with threonine.
Molecular consequence: missense variant.
Genome position (GRCh38, 1-based): chr14:58,470,691, G>A. VCF-style: chr14-58470691-G-A. GRCh37 (hg19) VCF-style: chr14-58937409-G-A.
Other names: c.2680G>A, p.Ala894Thr (NM_001244189.2); c.2476G>A, p.Ala826Thr (NM_001244190.2); c.2266G>A, p.Ala756Thr (NM_001244191.2, NM_001329945.2, NM_001364700.1 and 1 more transcripts); c.2389G>A, p.Ala797Thr (NM_001244192.2); c.2101G>A, p.Ala701Thr (NM_001244193.2); c.2521G>A, p.Ala841Thr (NM_001329944.2, NM_001329946.2, NM_001329947.2); c.2293G>A, p.Ala765Thr (NM_014749.5); short protein forms A765T, A701T, A797T, A841T, A756T, A826T, A894T.
Identifiers: ClinVar variation 1465451 (VCV001465451.6), dbSNP rs2140987094, ClinGen allele CA389876414.